The following is an entry in ClinVar:

ClinVar aggregate classification (germline): Uncertain significance (1 of 4 stars; one submission).

Conditions:
POLG-related disorder. Also called: POLG-Related Spectrum Disorders; POLG-related condition; POLG-Related Disorders. Identifiers: MedGen C4763519.

Submission:

PreventionGenetics, part of Exact Sciences
Classification: Uncertain significance for POLG-related condition. Last evaluated: 2025-03-12. Review status: criteria provided, single submitter. Criteria: ACMG Guidelines, 2015. Collection method: clinical testing. Allele origin: germline.
Comment: The POLG c.3212G>T variant is predicted to result in the amino acid substitution p.Arg1071Leu. To our knowledge, this variant has not been reported in the literature or in a large population database (gnomAD), indicating this variant is rare. At this time, the clinical significance of this variant is uncertain due to the absence of conclusive functional and genetic evidence.

NM_002693.3(POLG):c.3212G>T (p.Arg1071Leu)

Gene: POLG (DNA polymerase gamma, catalytic subunit; minus strand). Cytogenetic location: 15q26.1.
Variant type: single nucleotide variant.
Coding change: c.3212G>T on transcript NM_002693.3 (MANE Select); coding-DNA position 3212, G replaced by T.
Protein change: p.Arg1071Leu; replaces arginine 1071 with leucine.
Molecular consequence: missense variant.
Genome position (GRCh38, 1-based): chr15:89,318,992, C>A on the plus strand (G>T on the coding strand, the complement: POLG is on the minus strand). VCF-style: chr15-89318992-C-A. GRCh37 (hg19) VCF-style: chr15-89862223-C-A.
Other names: c.3212G>T, p.Arg1071Leu (NM_001126131.2); short protein forms R1071L.
Identifiers: ClinVar variation 4984403 (VCV004984403.1).